The following is an entry in ClinVar:

ClinVar aggregate classification (germline): Likely benign. Review status: criteria provided, multiple submitters, no conflicts (2 of 4 stars). 2 submissions from 2 submitters: Likely benign (2). Last evaluated 2025-08-23.

Conditions:
Bethlem myopathy 1A. Also called: MYOPATHY, BENIGN CONGENITAL, WITH CONTRACTURES; Bethlem Muscular Dystrophy; Bethlem myopathy 1. Identifiers: Orphanet 610, MedGen CN029274, MONDO:0024530, OMIM 158810.

Allele frequency attached by ClinVar (database versions not stated): gnomAD exomes below 0.00001; gnomAD 0.00001; TOPMed 0.00002.
gnomAD v4.1: 5 of 1,613,694 alleles (0.00031%); highest among the groups gnomAD compares: Non-Finnish European, 0.00042%; no homozygotes.

Submissions (2):

Labcorp Genetics (formerly Invitae), Labcorp
Classification: Likely benign for Bethlem myopathy 1A. Last evaluated: 2025-08-23. Review status: criteria provided, single submitter. Criteria: Invitae Variant Classification Sherloc (09022015). Collection method: clinical testing. Allele origin: germline.

CeGaT Center for Human Genetics Tuebingen
Classification: Likely benign. Last evaluated: 2024-07-01. Review status: criteria provided, single submitter. Criteria: CeGaT Center For Human Genetics Tuebingen Variant Classification Criteria Version 2. Collection method: clinical testing. Allele origin: germline. Affected: yes. Observed: 1 variant allele.
Comment: COL6A1: BP4, BP7

NM_001848.3(COL6A1):c.1206C>T (p.Pro402=)

Gene: COL6A1 (collagen type VI alpha 1 chain; plus strand). Cytogenetic location: 21q22.3.
Variant type: single nucleotide variant.
Coding change: c.1206C>T on transcript NM_001848.3 (MANE Select); coding-DNA position 1206, C replaced by T.
Protein change: p.Pro402=; no amino-acid change (proline 402 retained).
Molecular consequence: synonymous variant.
Genome position (GRCh38, 1-based): chr21:45,992,187, C>T. VCF-style: chr21-45992187-C-T. GRCh37 (hg19) VCF-style: chr21-47412101-C-T.
Identifiers: ClinVar variation 2137710 (VCV002137710.20), dbSNP rs1204582167, ClinGen allele CA512715847.